The following is an entry in ClinVar:

NM_014915.3(ANKRD26):c.3074C>T (p.Thr1025Ile)

Gene: ANKRD26 (ankyrin repeat domain containing 26; minus strand). Cytogenetic location: 10p12.1.
Variant type: single nucleotide variant.
Coding change: c.3074C>T on transcript NM_014915.3 (MANE Select); coding-DNA position 3074, C replaced by T.
Protein change: p.Thr1025Ile; replaces threonine 1025 with isoleucine.
Molecular consequence: missense variant.
Genome position (GRCh38, 1-based): chr10:27,035,376, G>A on the plus strand (C>T on the coding strand, the complement: ANKRD26 is on the minus strand). VCF-style: chr10-27035376-G-A. GRCh37 (hg19) VCF-style: chr10-27324305-G-A.
Other names: c.3071C>T, p.Thr1024Ile (NM_001256053.2); short protein forms T1025I, T1024I.
Identifiers: ClinVar variation 3913905 (VCV003913905.1).

ClinVar aggregate classification (germline): Uncertain significance (1 of 4 stars; one submission).

Conditions:
Inborn genetic diseases. Identifiers: MedGen C0950123, MeSH D030342.

Submission:

Ambry Genetics
Classification: Uncertain significance for Inborn genetic diseases. Last evaluated: 2025-04-28. Review status: criteria provided, single submitter. Criteria: Ambry Variant Classification Scheme 2023. Collection method: clinical testing. Allele origin: germline.
Comment: The p.T1025I variant (also known as c.3074C>T), located in coding exon 24 of the ANKRD26 gene, results from a C to T substitution at nucleotide position 3074. The threonine at codon 1025 is replaced by isoleucine, an amino acid with similar properties. This amino acid position is conserved. In addition, this alteration is predicted to be tolerated by in silico analysis. Based on the available evidence, the clinical significance of this variant remains unclear.